The following is an entry in ClinVar:

NM_022089.4(ATP13A2):c.2252-3C>T

Gene: ATP13A2 (ATPase cation transporting 13A2; minus strand). Cytogenetic location: 1p36.13.
Variant type: single nucleotide variant.
Coding change: c.2252-3C>T on transcript NM_022089.4 (MANE Select); 3 bases into the intron before coding-DNA position 2252, C replaced by T.
Molecular consequence: intron variant.
Genome position (GRCh38, 1-based): chr1:16,990,290, G>A on the plus strand (C>T on the coding strand, the complement: ATP13A2 is on the minus strand). VCF-style: chr1-16990290-G-A. GRCh37 (hg19) VCF-style: chr1-17316785-G-A.
Other names: c.2237-3C>T (NM_001141974.3, NM_001141973.3).
Identifiers: ClinVar variation 4590657 (VCV004590657.1).

ClinVar aggregate classification (germline): Uncertain significance (1 of 4 stars; one submission).

Conditions:
Inborn genetic diseases. Identifiers: MedGen C0950123, MeSH D030342.

gnomAD v4.1: 3 of 1,613,876 alleles (0.00019%); highest among the groups gnomAD compares: Admixed American, 0.0017%; no homozygotes.

Submission:

Ambry Genetics
Classification: Uncertain significance for Inborn genetic diseases. Last evaluated: 2025-09-19. Review status: criteria provided, single submitter. Criteria: Ambry Variant Classification Scheme 2023. Collection method: clinical testing. Allele origin: germline.
Comment: The c.2252-3C>T intronic alteration consists of a C to T substitution 3 nucleotides before coding exon 21 in the ATP13A2 gene. Based on insufficient or conflicting evidence, the clinical significance of this alteration remains unclear.